The following is an entry in ClinVar:

ClinVar aggregate classification (germline): Pathogenic (1 of 4 stars; one submission).

Conditions:
Hereditary cancer-predisposing syndrome. Also called: Tumor predisposition; Hereditary neoplastic syndrome; Hereditary Cancer Syndrome; Neoplastic Syndromes, Hereditary. Identifiers: Orphanet 140162, MedGen C0027672, MeSH D009386, MONDO:0015356.

Submission:

Ambry Genetics
Classification: Pathogenic for Hereditary cancer-predisposing syndrome. Last evaluated: 2026-03-12. Review status: criteria provided, single submitter. Criteria: Ambry Variant Classification Scheme 2023. Collection method: clinical testing. Allele origin: germline.
Comment: The c.6864_6871delCTCTGAGT pathogenic mutation, located in coding exon 46 of the ATM gene, results from a deletion of 8 nucleotides at nucleotide positions 6864 to 6871, causing a translational frameshift with a predicted alternate stop codon (p.S2289Afs*81). This variant is considered to be rare based on population cohorts in the Genome Aggregation Database (gnomAD). This alteration is expected to result in loss of function by premature protein truncation or nonsense-mediated mRNA decay. As such, this alteration is interpreted as a disease-causing mutation.

NM_000051.4(ATM):c.6864_6871del (p.Ser2289fs)

Genes: ATM (ATM serine/threonine kinase; plus strand), C11orf65 (chromosome 11 open reading frame 65; minus strand). Cytogenetic location: 11q22.3.
Variant type: Deletion.
Coding change: c.6864_6871del on transcript NM_000051.4 (MANE Select); coding-DNA positions 6864 to 6871, 8 bases deleted (CTCTGAGT; older notation c.6864_6871delCTCTGAGT).
Protein change: p.Ser2289fs; shifts the reading frame from serine 2289.
Molecular consequence: frameshift variant. On other transcripts: intron variant (2).
Genome position (GRCh38, 1-based): chr11:108,326,114-108,326,121, CTCTGAGT deleted; deleting any 8 consecutive bases within chr11:108,326,110-108,326,121 gives the same sequence; the c. name uses the placement nearest the transcript's 3' end. VCF-style (leftmost placement, unchanged base first): chr11-108326109-GGAGTCTCT-G. GRCh37 (hg19) VCF-style: chr11-108196836-GGAGTCTCT-G.
Other names: c.6864_6871del, p.Ser2289fs (NM_001351834.2); c.641-17046_641-17039del (NM_001330368.2); c.*38+9103_*38+9110del (NM_001351110.2); short protein forms S2289fs.
Identifiers: ClinVar variation 4827599 (VCV004827599.1).
Genomic context (GRCh38, chr11:108,326,109, plus strand): 5'-TCATTTCAGCTCCCTGAAAGGGCAATATTTCAAATTAAACAGTACAATTCAGTTAGCTGT[GGAGTCTCT>G]GAGTGGCAGCTGGAAGAAGCACAAGTATTCTGGGCAAAAAAGGAGCAGAGTCTTGCCCTG-3'